The following is an entry in ClinVar:

ClinVar aggregate classification (germline): Conflicting classifications of pathogenicity. Review status: criteria provided, conflicting classifications (1 of 4 stars). 2 submissions from 2 submitters: Uncertain significance (1); Likely benign (1). Last evaluated 2026-03-31.

Conditions:
LMOD1-related condition.

Allele frequency attached by ClinVar (database versions not stated): gnomAD exomes 0.00015; ExAC 0.00032; 1000 Genomes Project 0.00060; 1000 Genomes Project 30x 0.00078; gnomAD 0.00094; TOPMed 0.00114; ESP Exome Variant Server 0.00137.
gnomAD v4.1: 385 of 1,613,836 alleles (0.024%); highest among the groups gnomAD compares: African/African-American, 0.31%; no homozygotes.

Submissions (2):

PreventionGenetics, part of Exact Sciences
Classification: Likely benign for LMOD1-related condition. Last evaluated: 2026-03-31. Review status: criteria provided, single submitter. Criteria: ACMG Guidelines, 2015. Collection method: clinical testing. Allele origin: germline.
Comment: This variant is classified as likely benign based on ACMG/AMP sequence variant interpretation guidelines (Richards et al. 2015 PMID: 25741868, with internal and published modifications).

Ambry Genetics
Classification: Uncertain significance. Last evaluated: 2022-01-27. Review status: criteria provided, single submitter. Criteria: Ambry Variant Classification Scheme 2023. Collection method: clinical testing. Allele origin: germline.

NM_012134.3(LMOD1):c.175T>C (p.Ser59Pro)

Gene: LMOD1 (leiomodin 1; minus strand). Cytogenetic location: 1q32.1.
Variant type: single nucleotide variant.
Coding change: c.175T>C on transcript NM_012134.3 (MANE Select); coding-DNA position 175, T replaced by C.
Protein change: p.Ser59Pro; replaces serine 59 with proline.
Molecular consequence: missense variant.
Genome position (GRCh38, 1-based): chr1:201,946,166, A>G on the plus strand (T>C on the coding strand, the complement: LMOD1 is on the minus strand). VCF-style: chr1-201946166-A-G. GRCh37 (hg19) VCF-style: chr1-201915294-A-G.
Other names: short protein forms S59P.
Identifiers: ClinVar variation 2215015 (VCV002215015.3), dbSNP rs192622608, ClinGen allele CA1328746.